The following is an entry in ClinVar:

NM_005458.8(GABBR2):c.26A>T (p.Gln9Leu)

Gene: GABBR2 (gamma-aminobutyric acid type B receptor subunit 2; minus strand). Cytogenetic location: 9q22.33.
Variant type: single nucleotide variant.
Coding change: c.26A>T on transcript NM_005458.8 (MANE Select); coding-DNA position 26, A replaced by T.
Protein change: p.Gln9Leu; replaces glutamine 9 with leucine.
Molecular consequence: missense variant.
Genome position (GRCh38, 1-based): chr9:98,708,712, T>A on the plus strand (A>T on the coding strand, the complement: GABBR2 is on the minus strand). VCF-style: chr9-98708712-T-A. GRCh37 (hg19) VCF-style: chr9-101470994-T-A.
Other names: short protein forms Q9L.
Identifiers: ClinVar variation 4734613 (VCV004734613.1).
Genomic context (GRCh38, chr9:98,708,712, plus strand): 5'-AGCAGCAGTAGCAGTAGCAGGCGCGCGGGCGGCGGTGGCGGCGGCGGCGGCGGCCCGGGC[T>A]GCCCGGAGCTCCGCGGGGAAGCCATGCCGCGCCGCGGGCTGCGGGCGCCGGCTCACTCGG-3'
Protein context (NP_005449.5, residues 1-19): MASPRSSG[Gln9Leu]PGPPPPPPPP

ClinVar aggregate classification (germline): Uncertain significance (1 of 4 stars; one submission).

Conditions:
Epileptic encephalopathy. Identifiers: MedGen C0543888, HP:0200134.

Submission:

Labcorp Genetics (formerly Invitae), Labcorp
Classification: Uncertain significance for Epileptic encephalopathy. Last evaluated: 2026-01-02. Review status: criteria provided, single submitter. Criteria: Invitae Variant Classification Sherloc (09022015). Collection method: clinical testing. Allele origin: germline.
Comment: This sequence change replaces glutamine, which is neutral and polar, with leucine, which is neutral and non-polar, at codon 9 of the GABBR2 protein (p.Gln9Leu). The frequency data for this variant in the population databases is considered unreliable, as metrics indicate insufficient coverage at this position in the gnomAD database. This variant has not been reported in the literature in individuals affected with GABBR2-related conditions. Experimental studies and prediction algorithms are not available or were not evaluated, and the functional significance of this variant is currently unknown. In summary, the available evidence is currently insufficient to determine the role of this variant in disease. Therefore, it has been classified as a Variant of Uncertain Significance.